The following is an entry in ClinVar:

NM_001854.4(COL11A1):c.2014G>A (p.Asp672Asn)

Gene: COL11A1 (collagen type XI alpha 1 chain; minus strand). Cytogenetic location: 1p21.1.
Variant type: single nucleotide variant.
Coding change: c.2014G>A on transcript NM_001854.4 (MANE Select); coding-DNA position 2014, G replaced by A.
Protein change: p.Asp672Asn; replaces aspartic acid 672 with asparagine.
Molecular consequence: missense variant. On other transcripts: non-coding transcript variant (1).
Genome position (GRCh38, 1-based): chr1:103,002,776, C>T on the plus strand (G>A on the coding strand, the complement: COL11A1 is on the minus strand). VCF-style: chr1-103002776-C-T. GRCh37 (hg19) VCF-style: chr1-103468332-C-T.
Other names: c.1897G>A, p.Asp633Asn (NM_001190709.2); c.2050G>A, p.Asp684Asn (NM_080629.3); c.1666G>A, p.Asp556Asn (NM_080630.4); short protein forms D672N, D684N, D556N, D633N.
Identifiers: ClinVar variation 497900 (VCV000497900.25), dbSNP rs143663917, ClinGen allele CA974684.

ClinVar aggregate classification (germline): Conflicting classifications of pathogenicity. Review status: criteria provided, conflicting classifications (1 of 4 stars). 7 submissions from 7 submitters: Uncertain significance (5); Likely benign (2). Last evaluated 2026-10-21.

Conditions:
COL11A1-related disorder. Also called: COL11A1-related condition; COL11A1-related disorders.
Inborn genetic diseases. Identifiers: MedGen C0950123, MeSH D030342.
Hearing impairment. Also called: Impaired Hearing. Identifiers: MedGen C1384666, MONDO:0005365, HP:0000365.

Allele frequency attached by ClinVar (database versions not stated): gnomAD exomes 0.00010; ESP Exome Variant Server 0.00046; 1000 Genomes Project 30x 0.00016; 1000 Genomes Project 0.00020; TOPMed 0.00026; gnomAD 0.00029 and 0.00031.
gnomAD v4.1: 146 of 1,613,332 alleles (0.009%); highest among the groups gnomAD compares: African/African-American, 0.069%; no homozygotes.

Submissions (7):

GeneDx
Classification: Uncertain significance. Last evaluated: 2026-10-21. Review status: criteria provided, single submitter. Criteria: GeneDx Variant Classification Process June 2021. Collection method: clinical testing. Allele origin: germline.
Comment: In silico analysis supports that this missense variant has a deleterious effect on protein structure/function; This variant is associated with the following publications: (PMID: 35567543)

PreventionGenetics, part of Exact Sciences
Classification: Uncertain significance for COL11A1-related condition. Last evaluated: 2026-05-14. Review status: criteria provided, single submitter. Criteria: ACMG Guidelines, 2015. Collection method: clinical testing. Allele origin: germline.
Comment: The COL11A1 c.2014G>A variant is predicted to result in the amino acid substitution p.Asp672Asn. This variant was reported in an individual with high myopia (described as p.Asp684Asn, Table S1, Haarman et al. 2022. PubMed ID: 35567543). This variant is reported in 0.089% of alleles in individuals of African descent in gnomAD. Although we suspect that this variant may be benign, at this time, the clinical significance of this variant is uncertain due to the absence of conclusive functional and genetic evidence.

Labcorp Genetics (formerly Invitae), Labcorp
Classification: Likely benign. Last evaluated: 2026-01-28. Review status: criteria provided, single submitter. Criteria: Invitae Variant Classification Sherloc (09022015). Collection method: clinical testing. Allele origin: germline.

Blueprint Genetics
Classification: Likely benign. Last evaluated: 2024-05-29. Review status: criteria provided, single submitter. Criteria: ACMG Guidelines, 2015. Collection method: clinical testing. Allele origin: germline.

Ambry Genetics
Classification: Uncertain significance for Inborn genetic diseases. Last evaluated: 2021-08-09. Review status: criteria provided, single submitter. Criteria: Ambry Variant Classification Scheme 2023. Collection method: clinical testing. Allele origin: germline.

Department of Otolaryngology – Head & Neck Surgery, Cochlear Implant Center
Classification: Uncertain significance for Hearing impairment. Last evaluated: 2021-04-12. Review status: criteria provided, single submitter. Criteria: ClinGen HL ACMG Specifications v1. Collection method: clinical testing. Allele origin: germline. Affected: yes.
Comment: PP3_Strong

Eurofins Ntd Llc (ga)
Classification: Uncertain significance. Last evaluated: 2016-11-01. Review status: criteria provided, single submitter. Criteria: EGL Classification Definitions 2015. Collection method: clinical testing. Allele origin: germline. Observed: 1 variant allele, 1 heterozygote.